The following is an entry in ClinVar:

ClinVar aggregate classification (germline): Uncertain significance. Review status: criteria provided, multiple submitters, no conflicts (2 of 4 stars). 3 submissions from 3 submitters: Uncertain significance (3). Last evaluated 2024-03-07.

Conditions:
Retinoblastoma (RB1). Also called: RETINOBLASTOMA, SOMATIC. Identifiers: Orphanet 790, MedGen C0035335, MeSH D012175, MONDO:0008380, OMIM 180200, HP:0009919. Disease mechanism: loss of function. Inheritance: Both sporadic and heritable forms are tested..
Hereditary cancer-predisposing syndrome. Also called: Hereditary Cancer Syndrome; Tumor predisposition; Neoplastic Syndromes, Hereditary; Hereditary neoplastic syndrome. Identifiers: Orphanet 140162, MedGen C0027672, MeSH D009386, MONDO:0015356.

Allele frequency attached by ClinVar (database versions not stated): gnomAD exomes below 0.00001.
gnomAD v4.1: 2 of 1,600,174 alleles (0.00012%); highest among the groups gnomAD compares: East Asian, 0.0022%; no homozygotes.

Submissions (3):

Labcorp Genetics (formerly Invitae), Labcorp
Classification: Uncertain significance for Retinoblastoma. Last evaluated: 2024-03-07. Review status: criteria provided, single submitter. Criteria: Invitae Variant Classification Sherloc (09022015). Collection method: clinical testing. Allele origin: germline.
Comment: This sequence change replaces threonine, which is neutral and polar, with alanine, which is neutral and non-polar, at codon 197 of the RB1 protein (p.Thr197Ala). This variant is not present in population databases (gnomAD no frequency). This variant has not been reported in the literature in individuals affected with RB1-related conditions. ClinVar contains an entry for this variant (Variation ID: 864764). Advanced modeling of protein sequence and biophysical properties (such as structural, functional, and spatial information, amino acid conservation, physicochemical variation, residue mobility, and thermodynamic stability) performed at Invitae indicates that this missense variant is not expected to disrupt RB1 protein function with a negative predictive value of 80%. In summary, the available evidence is currently insufficient to determine the role of this variant in disease. Therefore, it has been classified as a Variant of Uncertain Significance.

Ambry Genetics
Classification: Uncertain significance for Hereditary cancer-predisposing syndrome. Last evaluated: 2023-12-15. Review status: criteria provided, single submitter. Criteria: Ambry Variant Classification Scheme 2023. Collection method: clinical testing. Allele origin: germline.
Comment: The p.T197A variant (also known as c.589A>G), located in coding exon 6 of the RB1 gene, results from an A to G substitution at nucleotide position 589. The threonine at codon 197 is replaced by alanine, an amino acid with similar properties. This amino acid position is conserved. In addition, this alteration is predicted to be tolerated by in silico analysis. Since supporting evidence is limited at this time, the clinical significance of this alteration remains unclear.

All of Us Research Program, National Institutes of Health
Classification: Uncertain significance for Retinoblastoma. Last evaluated: 2023-03-09. Review status: criteria provided, single submitter. Criteria: ACMG Guidelines, 2015. Collection method: clinical testing. Allele origin: germline. Inheritance: Autosomal dominant inheritance. Observed: 2 variant alleles, 2 heterozygotes.
Comment: This missense variant replaces threonine with alanine at codon 197 of the RB1 protein. Computational prediction suggests that this variant may not impact protein structure and function (internally defined REVEL score threshold <= 0.5, PMID: 27666373). To our knowledge, functional studies have not been reported for this variant. This variant has not been reported in individuals affected with RB1-related disorders in the literature. This variant has not been identified in the general population by the Genome Aggregation Database (gnomAD). The available evidence is insufficient to determine the role of this variant in disease conclusively. Therefore, this variant is classified as a Variant of Uncertain Significance.

This study involves interpretation of variants in research participants for the purpose of population health screening. Participant phenotype was not available at the time of variant classification. Additional details can be found in publication PMID: 35346344, PMCID: PMC8962531

NM_000321.3(RB1):c.589A>G (p.Thr197Ala)

Gene: RB1 (RB transcriptional corepressor 1; plus strand). Cytogenetic location: 13q14.2.
Variant type: single nucleotide variant.
Coding change: c.589A>G on transcript NM_000321.3 (MANE Select); coding-DNA position 589, A replaced by G.
Protein change: p.Thr197Ala; replaces threonine 197 with alanine.
Molecular consequence: missense variant.
Genome position (GRCh38, 1-based): chr13:48,349,005, A>G. VCF-style: chr13-48349005-A-G. GRCh37 (hg19) VCF-style: chr13-48923141-A-G.
Other names: short protein forms T197A.
Identifiers: ClinVar variation 864764 (VCV000864764.9), dbSNP rs1421476380, ClinGen allele CA388156980.